The following is an entry in ClinVar:

ClinVar aggregate classification (germline): Uncertain significance. Review status: criteria provided, multiple submitters, no conflicts (2 of 4 stars). 3 submissions from 3 submitters: Uncertain significance (3). Last evaluated 2026-01-12.

Conditions:
Inborn genetic diseases. Identifiers: MedGen C0950123, MeSH D030342.

Allele frequency attached by ClinVar (database versions not stated): TOPMed 0.00005; ExAC 0.00006; gnomAD exomes 0.00008; gnomAD 0.00011 and 0.00012.
gnomAD v4.1: 138 of 1,613,942 alleles (0.0086%); highest among the groups gnomAD compares: Non-Finnish European, 0.01%; no homozygotes.

Submissions (3):

Labcorp Genetics (formerly Invitae), Labcorp
Classification: Uncertain significance. Last evaluated: 2026-01-12. Review status: criteria provided, single submitter. Criteria: Invitae Variant Classification Sherloc (09022015). Collection method: clinical testing. Allele origin: germline.
Comment: This sequence change replaces arginine, which is basic and polar, with cysteine, which is neutral and slightly polar, at codon 95 of the LBR protein (p.Arg95Cys). This variant is present in population databases (rs11551873, gnomAD 0.02%). This variant has not been reported in the literature in individuals affected with LBR-related conditions. ClinVar contains an entry for this variant (Variation ID: 586110). An algorithm developed to predict the effect of missense changes on protein structure and function (PolyPhen-2) suggests that this variant is likely to be disruptive. In summary, the available evidence is currently insufficient to determine the role of this variant in disease. Therefore, it has been classified as a Variant of Uncertain Significance.

Ambry Genetics
Classification: Uncertain significance for Inborn genetic diseases. Last evaluated: 2021-09-15. Review status: criteria provided, single submitter. Criteria: Ambry Variant Classification Scheme 2023. Collection method: clinical testing. Allele origin: germline.

Athena Diagnostics
Classification: Uncertain significance. Last evaluated: 2018-03-30. Review status: criteria provided, single submitter. Criteria: Athena Diagnostics Criteria. Collection method: clinical testing. Allele origin: germline.

NM_002296.4(LBR):c.283C>T (p.Arg95Cys)

Gene: LBR (lamin B receptor; minus strand). Cytogenetic location: 1q42.12.
Variant type: single nucleotide variant.
Coding change: c.283C>T on transcript NM_002296.4 (MANE Select); coding-DNA position 283, C replaced by T.
Protein change: p.Arg95Cys; replaces arginine 95 with cysteine.
Molecular consequence: missense variant.
Genome position (GRCh38, 1-based): chr1:225,422,160, G>A on the plus strand (C>T on the coding strand, the complement: LBR is on the minus strand). VCF-style: chr1-225422160-G-A. GRCh37 (hg19) VCF-style: chr1-225609862-G-A.
Other names: c.283C>T, p.Arg95Cys (NM_194442.3); c.283C>T (NM_002296.3); short protein forms R95C.
Identifiers: ClinVar variation 586110 (VCV000586110.8), dbSNP rs11551873, ClinGen allele CA1417516.